The following is an entry in ClinVar:

NM_022168.4(IFIH1):c.2037_2042dup (p.Phe680_Phe681insLeuPhe)

Gene: IFIH1 (interferon induced with helicase C domain 1; minus strand). Cytogenetic location: 2q24.2.
Variant type: Duplication.
Coding change: c.2037_2042dup on transcript NM_022168.4 (MANE Select); coding-DNA positions 2037 to 2042, 6 bases duplicated (ATTTTT; older notation c.2037_2042dupATTTTT).
Protein change: p.Phe680_Phe681insLeuPhe.
Molecular consequence: inframe insertion.
Genome position (GRCh38, 1-based): chr2:162,277,417-162,277,422, AAAAAT duplicated on the plus strand (ATTTTT on the coding strand, the reverse complement: IFIH1 is on the minus strand); duplicating any 6 consecutive bases within chr2:162,277,417-162,277,425 gives the same sequence; the c. name uses the placement nearest the transcript's 3' end. VCF-style (leftmost placement, unchanged base first): chr2-162277416-A-AAAAAAT. GRCh37 (hg19) VCF-style: chr2-163133926-A-AAAAAAT.
Identifiers: ClinVar variation 2124146 (VCV002124146.4), dbSNP rs2468959034, ClinGen allele CA2580064201.

ClinVar aggregate classification (germline): Uncertain significance (1 of 4 stars; one submission).

Conditions:
Singleton-Merten syndrome 1 (SGMRT1). Also called: Widened medullary cavities of bone, aortic calcification, abnormal dentition, and muscular weakness; Syndrome of widened medullary cavities of the metacarpals and phalanges, aortic calcification and abnormal dentition. Identifiers: Orphanet 85191, MedGen C4225427, MONDO:0024535, OMIM 182250.
Aicardi-Goutieres syndrome 7 (AGS7). Identifiers: Orphanet 51, MedGen C3888244, MONDO:0014367, OMIM 615846.

Submission:

Labcorp Genetics (formerly Invitae), Labcorp
Classification: Uncertain significance for Aicardi-Goutieres syndrome 7; Singleton-Merten syndrome 1. Last evaluated: 2022-07-03. Review status: criteria provided, single submitter. Criteria: Invitae Variant Classification Sherloc (09022015). Collection method: clinical testing. Allele origin: germline.
Comment: In summary, the available evidence is currently insufficient to determine the role of this variant in disease. Therefore, it has been classified as a Variant of Uncertain Significance. Experimental studies and prediction algorithms are not available or were not evaluated, and the functional significance of this variant is currently unknown. This variant has not been reported in the literature in individuals affected with IFIH1-related conditions. This variant is not present in population databases (gnomAD no frequency). This variant, c.2037_2042dup, results in the insertion of 2 amino acid(s) of the IFIH1 protein (p.Leu679_Phe680dup), but otherwise preserves the integrity of the reading frame.